The following is an entry in ClinVar:

NM_030773.4(TUBB1):c.796T>C (p.Phe266Leu)

Gene: TUBB1 (tubulin beta 1 class VI; plus strand). Cytogenetic location: 20q13.32.
Variant type: single nucleotide variant.
Coding change: c.796T>C on transcript NM_030773.4 (MANE Select); coding-DNA position 796, T replaced by C.
Protein change: p.Phe266Leu; replaces phenylalanine 266 with leucine.
Molecular consequence: missense variant.
Genome position (GRCh38, 1-based): chr20:59,024,223, T>C. VCF-style: chr20-59024223-T-C. GRCh37 (hg19) VCF-style: chr20-57599278-T-C.
Other names: short protein forms F266L.
Identifiers: ClinVar variation 2895230 (VCV002895230.3), dbSNP rs760261214, ClinGen allele CA9928586.

ClinVar aggregate classification (germline): Uncertain significance (1 of 4 stars; one submission).

Allele frequency attached by ClinVar (database versions not stated): gnomAD 0.00001; gnomAD exomes 0.00001; TOPMed 0.00001; ExAC 0.00002.
gnomAD v4.1: 13 of 1,613,984 alleles (0.00081%); highest among the groups gnomAD compares: Non-Finnish European, 0.0011%; no homozygotes.

Submission:

Labcorp Genetics (formerly Invitae), Labcorp
Classification: Uncertain significance. Last evaluated: 2023-05-18. Review status: criteria provided, single submitter. Criteria: Invitae Variant Classification Sherloc (09022015). Collection method: clinical testing. Allele origin: germline.
Comment: In summary, the available evidence is currently insufficient to determine the role of this variant in disease. Therefore, it has been classified as a Variant of Uncertain Significance. Advanced modeling of protein sequence and biophysical properties (such as structural, functional, and spatial information, amino acid conservation, physicochemical variation, residue mobility, and thermodynamic stability) performed at Invitae indicates that this missense variant is not expected to disrupt TUBB1 protein function. This variant has not been reported in the literature in individuals affected with TUBB1-related conditions. This variant is present in population databases (rs760261214, gnomAD 0.003%). This sequence change replaces phenylalanine, which is neutral and non-polar, with leucine, which is neutral and non-polar, at codon 266 of the TUBB1 protein (p.Phe266Leu).